The following is an entry in ClinVar:

NM_000051.4(ATM):c.7533T>C (p.Ile2511=)

Genes: ATM (ATM serine/threonine kinase; plus strand), C11orf65 (chromosome 11 open reading frame 65; minus strand). Cytogenetic location: 11q22.3.
Variant type: single nucleotide variant.
Coding change: c.7533T>C on transcript NM_000051.4 (MANE Select); coding-DNA position 7533, T replaced by C.
Protein change: p.Ile2511=; no amino-acid change (isoleucine 2511 retained).
Molecular consequence: synonymous variant. On other transcripts: non-coding transcript variant (1), intron variant (2).
Genome position (GRCh38, 1-based): chr11:108,331,461, T>C. VCF-style: chr11-108331461-T-C. GRCh37 (hg19) VCF-style: chr11-108202188-T-C.
Other names: c.7533T>C, p.Ile2511= (NM_001351834.2); c.641-22390A>G (NM_001330368.2); c.*38+3759A>G (NM_001351110.2).
Identifiers: ClinVar variation 184103 (VCV000184103.14), dbSNP rs786201279, ClinGen allele CA187795.

ClinVar aggregate classification (germline): Benign/Likely benign. Review status: criteria provided, multiple submitters, no conflicts (2 of 4 stars). 3 submissions from 3 submitters: Benign (1); Likely benign (2). Last evaluated 2025-07-14.

Conditions:
Hereditary cancer-predisposing syndrome. Also called: Hereditary Cancer Syndrome; Tumor predisposition; Neoplastic Syndromes, Hereditary; Hereditary neoplastic syndrome. Identifiers: Orphanet 140162, MedGen C0027672, MeSH D009386, MONDO:0015356.
Familial cancer of breast. Also called: hereditary breast carcinoma; BREAST CANCER, FAMILIAL; Hereditary breast cancer. Identifiers: Orphanet 227535, MedGen C0346153, MONDO:0016419, OMIM 114480. Disease mechanism: loss of function.
Ataxia-telangiectasia syndrome (AT). Also called: ATAXIA-TELANGIECTASIA, COMPLEMENTATION GROUP A; ATAXIA-TELANGIECTASIA, FRESNO VARIANT; Ataxia-telangiectasia; Ataxia-telangiectasia, complementation group E; Cerebello-oculocutaneous telangiectasia; Immunodeficiency with ataxia telangiectasia. Identifiers: Orphanet 100, MedGen C0004135, MONDO:0008840, OMIM 208900.

Submissions (3):

Labcorp Genetics (formerly Invitae), Labcorp
Classification: Likely benign for Ataxia-telangiectasia syndrome. Last evaluated: 2025-07-14. Review status: criteria provided, single submitter. Criteria: Invitae Variant Classification Sherloc (09022015). Collection method: clinical testing. Allele origin: germline.

Myriad Genetics, Inc.
Classification: Benign for Familial cancer of breast. Last evaluated: 2024-06-14. Review status: criteria provided, single submitter. Criteria: Myriad Autosomal Dominant, Autosomal Recessive and X-Linked Classification Criteria (2023). Collection method: clinical testing. Allele origin: unknown.
Comment: This variant is considered benign. This variant is a silent/synonymous amino acid change and it is not expected to impact splicing.

Ambry Genetics
Classification: Likely benign for Hereditary cancer-predisposing syndrome. Last evaluated: 2024-03-22. Review status: criteria provided, single submitter. Criteria: Ambry Variant Classification Scheme 2023. Collection method: clinical testing. Allele origin: germline.